The following is an entry in ClinVar:

NM_000548.5(TSC2):c.3589A>C (p.Ile1197Leu)

Gene: TSC2 (TSC complex subunit 2; plus strand). Cytogenetic location: 16p13.3.
Variant type: single nucleotide variant.
Coding change: c.3589A>C on transcript NM_000548.5 (MANE Select); coding-DNA position 3589, A replaced by C.
Protein change: p.Ile1197Leu; replaces isoleucine 1197 with leucine.
Molecular consequence: missense variant.
Genome position (GRCh38, 1-based): chr16:2,080,356, A>C. VCF-style: chr16-2080356-A-C. GRCh37 (hg19) VCF-style: chr16-2130357-A-C.
Other names: c.3457A>C, p.Ile1153Leu (NM_001077183.3, NM_001370404.1); c.3589A>C, p.Ile1197Leu (NM_001114382.3); c.3349A>C, p.Ile1117Leu (NM_001318827.2); c.3313A>C, p.Ile1105Leu (NM_001318829.2); c.2857A>C, p.Ile953Leu (NM_001318831.2); c.3490A>C, p.Ile1164Leu (NM_001318832.2); c.3460A>C, p.Ile1154Leu (NM_001363528.2, NM_001370405.1, NM_021055.3); short protein forms I1105L, I953L, I1153L, I1154L, I1197L, I1117L, I1164L.
Identifiers: ClinVar variation 956166 (VCV000956166.14), dbSNP rs2089979590, ClinGen allele CA394289675.

ClinVar aggregate classification (germline): Uncertain significance. Review status: criteria provided, multiple submitters, no conflicts (2 of 4 stars). 2 submissions from 2 submitters: Uncertain significance (2). Last evaluated 2026-04-22.

Conditions:
Hereditary cancer-predisposing syndrome. Also called: Hereditary Cancer Syndrome; Neoplastic Syndromes, Hereditary; Tumor predisposition; Hereditary neoplastic syndrome. Identifiers: Orphanet 140162, MedGen C0027672, MeSH D009386, MONDO:0015356.
Tuberous sclerosis 2 (TSC2). Identifiers: Orphanet 805, MedGen C1860707, MONDO:0013199, OMIM 613254.

Allele frequency attached by ClinVar (database versions not stated): gnomAD exomes below 0.00001.

Submissions (2):

Ambry Genetics
Classification: Uncertain significance for Hereditary cancer-predisposing syndrome. Last evaluated: 2026-04-22. Review status: criteria provided, single submitter. Criteria: Ambry Variant Classification Scheme 2023. Collection method: clinical testing. Allele origin: germline.
Comment: The p.I1197L variant (also known as c.3589A>C), located in coding exon 29 of the TSC2 gene, results from an A to C substitution at nucleotide position 3589. The isoleucine at codon 1197 is replaced by leucine, an amino acid with highly similar properties. This variant was detected as heterozygous in individuals with no reported features of tuberous sclerosis complex (Ambry internal data). This amino acid position is well conserved in available vertebrate species. In addition, the in silico prediction for this alteration is inconclusive. Based on the available evidence, the clinical significance of this variant remains unclear.

Labcorp Genetics (formerly Invitae), Labcorp
Classification: Uncertain significance for Tuberous sclerosis 2. Last evaluated: 2025-04-10. Review status: criteria provided, single submitter. Criteria: Invitae Variant Classification Sherloc (09022015). Collection method: clinical testing. Allele origin: germline.
Comment: This sequence change replaces isoleucine, which is neutral and non-polar, with leucine, which is neutral and non-polar, at codon 1197 of the TSC2 protein (p.Ile1197Leu). This variant is not present in population databases (gnomAD no frequency). This variant has not been reported in the literature in individuals affected with TSC2-related conditions. ClinVar contains an entry for this variant (Variation ID: 956166). Invitae Evidence Modeling of protein sequence and biophysical properties (such as structural, functional, and spatial information, amino acid conservation, physicochemical variation, residue mobility, and thermodynamic stability) indicates that this missense variant is not expected to disrupt TSC2 protein function with a negative predictive value of 95%. In summary, the available evidence is currently insufficient to determine the role of this variant in disease. Therefore, it has been classified as a Variant of Uncertain Significance.